The following is an entry in ClinVar:

NM_182914.3(SYNE2):c.15083C>G (p.Ala5028Gly)

Gene: SYNE2 (spectrin repeat containing nuclear envelope protein 2; plus strand). Cytogenetic location: 14q23.2.
Variant type: single nucleotide variant.
Coding change: c.15083C>G on transcript NM_182914.3 (MANE Select); coding-DNA position 15083, C replaced by G.
Protein change: p.Ala5028Gly; replaces alanine 5028 with glycine.
Molecular consequence: missense variant.
Genome position (GRCh38, 1-based): chr14:64,141,447, C>G. VCF-style: chr14-64141447-C-G. GRCh37 (hg19) VCF-style: chr14-64608165-C-G.
Other names: c.15083C>G, p.Ala5028Gly (NM_015180.6); short protein forms A5028G.
Identifiers: ClinVar variation 3618637 (VCV003618637.2).
Genomic context (GRCh38, chr14:64,141,447, plus strand): 5'-TTATCAGTATCGGGAACCAGCTTCTTCACCTGAAAGAAACTGATACAGCTACACTGAGAG[C>G]TTCTTTAGCACAGTTTGAACAAAAATGGACAATGCTCATAACTCAACTTCCAGATATTCA-3'
Protein context (NP_878918.2, residues 5018-5038): LKETDTATLR[Ala5028Gly]SLAQFEQKWT

ClinVar aggregate classification (germline): Uncertain significance (1 of 4 stars; one submission).

Conditions:
Emery-Dreifuss muscular dystrophy 5, autosomal dominant (EDMD5). Also called: EMERY-DREIFUSS MUSCULAR DYSTROPHY 5. Identifiers: Orphanet 261, MedGen C2751805, MONDO:0013072, OMIM 612999.

Submission:

Labcorp Genetics (formerly Invitae), Labcorp
Classification: Uncertain significance for Emery-Dreifuss muscular dystrophy 5, autosomal dominant. Last evaluated: 2025-08-18. Review status: criteria provided, single submitter. Criteria: Invitae Variant Classification Sherloc (09022015). Collection method: clinical testing. Allele origin: germline.
Comment: This sequence change replaces alanine, which is neutral and non-polar, with glycine, which is neutral and non-polar, at codon 5028 of the SYNE2 protein (p.Ala5028Gly). This variant is not present in population databases (gnomAD no frequency). This variant has not been reported in the literature in individuals affected with SYNE2-related conditions. ClinVar contains an entry for this variant (Variation ID: 3618637). An algorithm developed to predict the effect of missense changes on protein structure and function (PolyPhen-2) suggests that this variant is likely to be disruptive. In summary, the available evidence is currently insufficient to determine the role of this variant in disease. Therefore, it has been classified as a Variant of Uncertain Significance.